The following is an entry in ClinVar:

ClinVar aggregate classification (germline): Likely benign (0 of 4 stars; one submission).

Conditions:
BDNF-related disorder. Also called: BDNF-related condition.

Submission:

PreventionGenetics, part of Exact Sciences
Classification: Likely benign for BDNF-related condition. Last evaluated: 2023-06-22. Review status: no assertion criteria provided. Collection method: clinical testing. Allele origin: germline.
Comment: This variant is classified as likely benign based on ACMG/AMP sequence variant interpretation guidelines (Richards et al. 2015 PMID: 25741868, with internal and published modifications).

NM_001709.5(BDNF):c.-21-15541C>A

Genes: BDNF (brain derived neurotrophic factor; minus strand), BDNF-AS (BDNF antisense RNA; plus strand). Cytogenetic location: 11p14.1.
Variant type: single nucleotide variant.
Coding change: c.-21-15541C>A on transcript NM_001709.5 (MANE Select); 15541 bases into the intron before 21 bases upstream of the start codon, C replaced by A.
Molecular consequence: intron variant. On other transcripts: synonymous variant (1), 5 prime UTR variant (1).
Genome position (GRCh38, 1-based): chr11:27,674,126, G>T on the plus strand (C>A on the coding strand, the complement: BDNF is on the minus strand). VCF-style: chr11-27674126-G-T. GRCh37 (hg19) VCF-style: chr11-27695673-G-T.
Other names: c.159C>A, p.Gly53= (NM_001143810.2); c.-205C>A (NM_001143811.2); c.4-15541C>A (NM_170731.5); c.-21-15541C>A (NM_001143805.1, NM_001143806.1, NM_170732.4 and 5 more transcripts); c.67-15541C>A (NM_001143809.2); c.-128-15200C>A (NM_001143814.2); c.25-15541C>A (NM_170734.4).
Identifiers: ClinVar variation 3356793 (VCV003356793.1).